The following is an entry in ClinVar:

NM_018089.3(ANKZF1):c.1112A>G (p.Glu371Gly)

Gene: ANKZF1 (ankyrin repeat and zinc finger peptidyl tRNA hydrolase 1; plus strand). Cytogenetic location: 2q35.
Variant type: single nucleotide variant.
Coding change: c.1112A>G on transcript NM_018089.3 (MANE Select); coding-DNA position 1112, A replaced by G.
Protein change: p.Glu371Gly; replaces glutamic acid 371 with glycine.
Molecular consequence: missense variant.
Genome position (GRCh38, 1-based): chr2:219,234,196, A>G. VCF-style: chr2-219234196-A-G. GRCh37 (hg19) VCF-style: chr2-220098918-A-G.
Other names: c.1112A>G, p.Glu371Gly (NM_001042410.2); c.482A>G, p.Glu161Gly (NM_001282792.2); short protein forms E161G, E371G.
Identifiers: ClinVar variation 3686690 (VCV003686690.2).
Genomic context (GRCh38, chr2:219,234,196, plus strand): 5'-AAGACCCTCGGGAAGCAGTCAGACTGCACTCACCTCAGACACACTGGAAAACAGTAAGAG[A>G]GGAGAGAAAGAAGCCTACTGAGGAAGAAATAAGAAAGATCTGCAGGGATGAAAAGGAAGC-3'
Protein context (NP_060559.2, residues 361-381): SPQTHWKTVR[Glu371Gly]ERKKPTEEEI

ClinVar aggregate classification (germline): Uncertain significance (1 of 4 stars; one submission).

gnomAD v4.1: 11 of 1,614,144 alleles (0.00068%); highest among the groups gnomAD compares: East Asian, 0.022%; no homozygotes.

Submission:

Labcorp Genetics (formerly Invitae), Labcorp
Classification: Uncertain significance. Last evaluated: 2025-01-27. Review status: criteria provided, single submitter. Criteria: Invitae Variant Classification Sherloc (09022015). Collection method: clinical testing. Allele origin: germline.
Comment: This sequence change replaces glutamic acid, which is acidic and polar, with glycine, which is neutral and non-polar, at codon 371 of the ANKZF1 protein (p.Glu371Gly). This variant is present in population databases (rs775103160, gnomAD 0.003%). This variant has not been reported in the literature in individuals affected with ANKZF1-related conditions. An algorithm developed to predict the effect of missense changes on protein structure and function (PolyPhen-2) suggests that this variant is likely to be tolerated. In summary, the available evidence is currently insufficient to determine the role of this variant in disease. Therefore, it has been classified as a Variant of Uncertain Significance.